The following is an entry in ClinVar:

ClinVar aggregate classification (germline): Uncertain significance (1 of 4 stars; one submission).

Submission:

Labcorp Genetics (formerly Invitae), Labcorp
Classification: Uncertain significance. Last evaluated: 2022-09-12. Review status: criteria provided, single submitter. Criteria: Invitae Variant Classification Sherloc (09022015). Collection method: clinical testing. Allele origin: germline.
Comment: This variant has not been reported in the literature in individuals affected with ACO2-related conditions. This variant is not present in population databases (gnomAD no frequency). This sequence change replaces tyrosine, which is neutral and polar, with serine, which is neutral and polar, at codon 299 of the ACO2 protein (p.Tyr299Ser). Algorithms developed to predict the effect of missense changes on protein structure and function (SIFT, PolyPhen-2, Align-GVGD) all suggest that this variant is likely to be disruptive. In summary, the available evidence is currently insufficient to determine the role of this variant in disease. Therefore, it has been classified as a Variant of Uncertain Significance.

NM_001098.3(ACO2):c.896A>C (p.Tyr299Ser)

Gene: ACO2 (aconitase 2; plus strand). Cytogenetic location: 22q13.2.
Variant type: single nucleotide variant.
Coding change: c.896A>C on transcript NM_001098.3 (MANE Select); coding-DNA position 896, A replaced by C.
Protein change: p.Tyr299Ser; replaces tyrosine 299 with serine.
Molecular consequence: missense variant.
Genome position (GRCh38, 1-based): chr22:41,517,587, A>C. VCF-style: chr22-41517587-A-C. GRCh37 (hg19) VCF-style: chr22-41913591-A-C.
Other names: short protein forms Y299S.
Identifiers: ClinVar variation 2092434 (VCV002092434.4), dbSNP rs891654033, ClinGen allele CA324570740.